The following is an entry in ClinVar:

NM_001768.7(CD8A):c.511G>A (p.Ala171Thr)

Gene: CD8A (CD8 subunit alpha; minus strand). Cytogenetic location: 2p11.2.
Variant type: single nucleotide variant.
Coding change: c.511G>A on transcript NM_001768.7 (MANE Select); coding-DNA position 511, G replaced by A.
Protein change: p.Ala171Thr; replaces alanine 171 with threonine.
Molecular consequence: missense variant. On other transcripts: non-coding transcript variant (3).
Genome position (GRCh38, 1-based): chr2:86,789,643, C>T on the plus strand (G>A on the coding strand, the complement: CD8A is on the minus strand). VCF-style: chr2-86789643-C-T. GRCh37 (hg19) VCF-style: chr2-87016766-C-T.
Other names: c.511G>A, p.Ala171Thr (NM_001145873.1, NM_001382698.1, NM_171827.4); short protein forms A171T.
Identifiers: ClinVar variation 1016220 (VCV001016220.9), dbSNP rs751865065, ClinGen allele CA347576276.
Genomic context (GRCh38, chr2:86,789,643, plus strand): 5'-GCATGGGCTCTCCCCGCGGTGCGTGCCGCCCCCGCCCCGGGCCCCCGCACGCCTCACCTG[C>T]GCCCCCCGCCGCTGGCCGGCACGCCTCTGGGCGCAGGGACAGGGGCTGCGACGCGATGGT-3'
Protein context (NP_001759.3, residues 161-181): PEACRPAAGG[Ala171Thr]VHTRGLDFAC

ClinVar aggregate classification (germline): Uncertain significance (1 of 4 stars; one submission).

Conditions:
Susceptibility to respiratory infections associated with CD8alpha chain mutation (IMD116). Also called: Cd8 deficiency, familial; IMMUNODEFICIENCY 116. Identifiers: Orphanet 169085, MedGen C1837065, MONDO:0012161, OMIM 608957.

Allele frequency attached by ClinVar (database versions not stated): gnomAD 0.00001; TOPMed 0.00001.

Submission:

Labcorp Genetics (formerly Invitae), Labcorp
Classification: Uncertain significance for Susceptibility to respiratory infections associated with CD8alpha chain mutation. Last evaluated: 2022-07-05. Review status: criteria provided, single submitter. Criteria: Invitae Variant Classification Sherloc (09022015). Collection method: clinical testing. Allele origin: germline.
Comment: In summary, the available evidence is currently insufficient to determine the role of this variant in disease. Therefore, it has been classified as a Variant of Uncertain Significance. Algorithms developed to predict the effect of missense changes on protein structure and function output the following: SIFT: "Tolerated"; PolyPhen-2: "Benign"; Align-GVGD: "Class C0". The threonine amino acid residue is found in multiple mammalian species, which suggests that this missense change does not adversely affect protein function. ClinVar contains an entry for this variant (Variation ID: 1016220). This variant has not been reported in the literature in individuals affected with CD8A-related conditions. The frequency data for this variant in the population databases is considered unreliable, as metrics indicate poor data quality at this position in the gnomAD database. This sequence change replaces alanine, which is neutral and non-polar, with threonine, which is neutral and polar, at codon 171 of the CD8A protein (p.Ala171Thr).